The following is an entry in ClinVar:

ClinVar aggregate classification (germline): Likely benign (1 of 4 stars; one submission).

Submission:

CeGaT Center for Human Genetics Tuebingen
Classification: Likely benign. Last evaluated: 2026-08-01. Review status: criteria provided, single submitter. Criteria: CeGaT Center For Human Genetics Tuebingen Variant Classification Criteria Version 2. Collection method: clinical testing. Allele origin: germline. Affected: yes. Observed: 2 variant alleles.
Comment: BTBD17: PM2:Supporting, BP4, BP7

NM_001080466.2(BTBD17):c.654A>G (p.Gln218=)

Gene: BTBD17 (BTB domain containing 17; minus strand). Cytogenetic location: 17q25.1.
Variant type: single nucleotide variant.
Coding change: c.654A>G on transcript NM_001080466.2 (MANE Select); coding-DNA position 654, A replaced by G.
Protein change: p.Gln218=; no amino-acid change (glutamine 218 retained).
Molecular consequence: synonymous variant.
Genome position (GRCh38, 1-based): chr17:74,357,440, T>C on the plus strand (A>G on the coding strand, the complement: BTBD17 is on the minus strand). VCF-style: chr17-74357440-T-C. GRCh37 (hg19) VCF-style: chr17-72353579-T-C.
Identifiers: ClinVar variation 4872296 (VCV004872296.2).
Genomic context (GRCh38, chr17:74,357,440, plus strand): 5'-CAGCCAGGCCTCCAGCGCGTGGAACAGCTCCAGTTCATCCTGCAGCACCAGGTCCGAGCG[T>C]TGCAGGAGCTGCCAGAGCAGCTCGGGGCTCACGGCGCCCCACTCGGTGCTGGCCGCCACG-3'
Protein context (NP_001073935.1, residues 208-228): VSPELLWQLL[Gln218=]RSDLVLQDEL